The following is an entry in ClinVar:

NM_153676.4(USH1C):c.2359C>T (p.Arg787Trp)

Gene: USH1C (USH1 protein network component harmonin; minus strand). Cytogenetic location: 11p15.1.
Variant type: single nucleotide variant.
Coding change: c.2359C>T on transcript NM_153676.4 (MANE Select); coding-DNA position 2359, C replaced by T.
Protein change: p.Arg787Trp; replaces arginine 787 with tryptophan.
Molecular consequence: missense variant. On other transcripts: non-coding transcript variant (1).
Genome position (GRCh38, 1-based): chr11:17,501,072, G>A on the plus strand (C>T on the coding strand, the complement: USH1C is on the minus strand). VCF-style: chr11-17501072-G-A. GRCh37 (hg19) VCF-style: chr11-17522619-G-A.
Other names: c.1402C>T, p.Arg468Trp (NM_001297764.2); c.1459C>T, p.Arg487Trp (NM_005709.4); short protein forms R487W, R787W, R468W.
Identifiers: ClinVar variation 2151804 (VCV002151804.3), dbSNP rs374376964, ClinGen allele CA5904209.

ClinVar aggregate classification (germline): Uncertain significance (1 of 4 stars; one submission).

Allele frequency attached by ClinVar (database versions not stated): gnomAD 0.00001; gnomAD exomes 0.00001; TOPMed 0.00002; ExAC 0.00004; ESP Exome Variant Server 0.00008; 1000 Genomes Project 30x 0.00016; 1000 Genomes Project 0.00020.
gnomAD v4.1: 12 of 1,613,814 alleles (0.00074%); highest among the groups gnomAD compares: South Asian, 0.0044%; no homozygotes.

Submission:

Labcorp Genetics (formerly Invitae), Labcorp
Classification: Uncertain significance. Last evaluated: 2024-12-16. Review status: criteria provided, single submitter. Criteria: Invitae Variant Classification Sherloc (09022015). Collection method: clinical testing. Allele origin: germline.
Comment: This sequence change replaces arginine, which is basic and polar, with tryptophan, which is neutral and slightly polar, at codon 487 of the USH1C protein (p.Arg487Trp). This variant is present in population databases (rs374376964, gnomAD 0.01%). This variant has not been reported in the literature in individuals affected with USH1C-related conditions. ClinVar contains an entry for this variant (Variation ID: 2151804). An algorithm developed to predict the effect of missense changes on protein structure and function (PolyPhen-2) suggests that this variant is likely to be tolerated. In summary, the available evidence is currently insufficient to determine the role of this variant in disease. Therefore, it has been classified as a Variant of Uncertain Significance.